The following is an entry in ClinVar:

NM_014141.6(CNTNAP2):c.3107C>T (p.Ala1036Val)

Gene: CNTNAP2 (contactin associated protein 2; plus strand). Cytogenetic location: 7q36.1.
Variant type: single nucleotide variant.
Coding change: c.3107C>T on transcript NM_014141.6 (MANE Select); coding-DNA position 3107, C replaced by T.
Protein change: p.Ala1036Val; replaces alanine 1036 with valine.
Molecular consequence: missense variant.
Genome position (GRCh38, 1-based): chr7:148,217,384, C>T. VCF-style: chr7-148217384-C-T. GRCh37 (hg19) VCF-style: chr7-147914476-C-T.
Other names: short protein forms A1036V.
Identifiers: ClinVar variation 947305 (VCV000947305.6), dbSNP rs149506328, ClinGen allele CA4546552.

ClinVar aggregate classification (germline): Uncertain significance (1 of 4 stars; one submission).

Conditions:
Cortical dysplasia-focal epilepsy syndrome (PTHSL1). Also called: Pitt-Hopkins-like syndrome 1. Identifiers: Orphanet 163681, Orphanet 221150, MedGen C2750246, MONDO:0012400, OMIM 610042.

Allele frequency attached by ClinVar (database versions not stated): gnomAD exomes below 0.00001; ExAC 0.00001.
gnomAD v4.1: 3 of 1,614,166 alleles (0.00019%); highest among the groups gnomAD compares: Admixed American, 0.0017%; no homozygotes.

Submission:

Labcorp Genetics (formerly Invitae), Labcorp
Classification: Uncertain significance for Cortical dysplasia-focal epilepsy syndrome. Last evaluated: 2023-12-22. Review status: criteria provided, single submitter. Criteria: Invitae Variant Classification Sherloc (09022015). Collection method: clinical testing. Allele origin: germline.
Comment: This sequence change replaces alanine, which is neutral and non-polar, with valine, which is neutral and non-polar, at codon 1036 of the CNTNAP2 protein (p.Ala1036Val). This variant is present in population databases (rs149506328, gnomAD 0.003%). This variant has not been reported in the literature in individuals affected with CNTNAP2-related conditions. ClinVar contains an entry for this variant (Variation ID: 947305). Algorithms developed to predict the effect of missense changes on protein structure and function output the following: SIFT: "Not Available"; PolyPhen-2: "Benign"; Align-GVGD: "Not Available". The valine amino acid residue is found in multiple mammalian species, which suggests that this missense change does not adversely affect protein function. In summary, the available evidence is currently insufficient to determine the role of this variant in disease. Therefore, it has been classified as a Variant of Uncertain Significance.